The following is an entry in ClinVar:

ClinVar aggregate classification (germline): Uncertain significance. Review status: criteria provided, multiple submitters, no conflicts (2 of 4 stars). 2 submissions from 2 submitters: Uncertain significance (2). Last evaluated 2023-12-26.

Conditions:
Renal cell carcinoma. Identifiers: Orphanet 217071, MedGen C0007134, MeSH D002292, MONDO:0005086, HP:0005584.
Hereditary cancer-predisposing syndrome. Also called: Hereditary Cancer Syndrome; Neoplastic Syndromes, Hereditary; Tumor predisposition; Hereditary neoplastic syndrome. Identifiers: Orphanet 140162, MedGen C0027672, MeSH D009386, MONDO:0015356.

Submissions (2):

Ambry Genetics
Classification: Uncertain significance for Hereditary cancer-predisposing syndrome. Last evaluated: 2023-12-26. Review status: criteria provided, single submitter. Criteria: Ambry Variant Classification Scheme 2023. Collection method: clinical testing. Allele origin: germline.
Comment: The c.3210_3220del11 variant, located in coding exon 14 of the MET gene, results from a deletion of 11 nucleotides at nucleotide positions 3210 to 3220, causing a translational frameshift with a predicted alternate stop codon (p.H1070Qfs*20). This alteration is expected to result in protein truncation or nonsense-mediated mRNA decay. However, loss of function of MET has not been established as a mechanism of disease. Since supporting evidence is limited at this time, the clinical significance of this alteration remains unclear.

Labcorp Genetics (formerly Invitae), Labcorp
Classification: Uncertain significance for Renal cell carcinoma. Last evaluated: 2023-11-08. Review status: criteria provided, single submitter. Criteria: Invitae Variant Classification Sherloc (09022015). Collection method: clinical testing. Allele origin: germline.
Comment: This sequence change creates a premature translational stop signal (p.His1070Glnfs*20) in the MET gene. It is expected to result in an absent or disrupted protein product. However, the current clinical and genetic evidence is not sufficient to establish whether loss-of-function variants in MET cause disease. This variant is not present in population databases (gnomAD no frequency). This variant has not been reported in the literature in individuals affected with MET-related conditions. In summary, the available evidence is currently insufficient to determine the role of this variant in disease. Therefore, it has been classified as a Variant of Uncertain Significance.

NM_000245.4(MET):c.3156_3166del (p.His1052fs)

Gene: MET (MET proto-oncogene, receptor tyrosine kinase; plus strand). Cytogenetic location: 7q31.2.
Variant type: Deletion.
Coding change: c.3156_3166del on transcript NM_000245.4 (MANE Select); coding-DNA positions 3156 to 3166, 11 bases deleted (CATTGACCTCA).
Protein change: p.His1052fs; shifts the reading frame from histidine 1052.
Molecular consequence: frameshift variant.
Genome position (GRCh38, 1-based): chr7:116,775,008-116,775,018, CATTGACCTCA deleted; deleting any 11 consecutive bases within chr7:116,775,006-116,775,018 gives the same sequence; the c. name uses the placement nearest the transcript's 3' end. VCF-style (leftmost placement, unchanged base first): chr7-116775005-CCACATTGACCT-C. GRCh37 (hg19) VCF-style: chr7-116415059-CCACATTGACCT-C.
Other names: c.3210_3220del, p.His1070fs (NM_001127500.3); c.1866_1876del, p.His622fs (NM_001324402.2); c.3210_3220del11 (NM_001127500.1); short protein forms H1052fs, H1070fs, H622fs.
Identifiers: ClinVar variation 2797102 (VCV002797102.4), dbSNP rs2485806762, ClinGen allele CA2739278826.